The following is an entry in ClinVar:

NM_001267550.2(TTN):c.58759A>G (p.Ile19587Val)

Genes: TTN (titin; minus strand), TTN-AS1 (TTN antisense RNA 1; plus strand). Cytogenetic location: 2q31.2.
Variant type: single nucleotide variant.
Coding change: c.58759A>G on transcript NM_001267550.2 (MANE Select); coding-DNA position 58759, A replaced by G.
Protein change: p.Ile19587Val; replaces isoleucine 19587 with valine.
Molecular consequence: missense variant.
Genome position (GRCh38, 1-based): chr2:178,593,449, T>C on the plus strand (A>G on the coding strand, the complement: TTN is on the minus strand). VCF-style: chr2-178593449-T-C. GRCh37 (hg19) VCF-style: chr2-179458176-T-C.
Other names: c.53836A>G, p.Ile17946Val (NM_001256850.1); c.31564A>G, p.Ile10522Val (NM_003319.4); c.51055A>G, p.Ile17019Val (NM_133378.4); c.31939A>G, p.Ile10647Val (NM_133432.3); c.32140A>G, p.Ile10714Val (NM_133437.4); short protein forms I10522V, I19587V, I17019V, I17946V, I10647V, I10714V.
Identifiers: ClinVar variation 518926 (VCV000518926.8), dbSNP rs916546048, ClinGen allele CA60971359.

ClinVar aggregate classification (germline): Uncertain significance. Review status: criteria provided, multiple submitters, no conflicts (2 of 4 stars). 2 submissions from 2 submitters: Uncertain significance (2). Last evaluated 2019-08-08.

Conditions:
Cardiovascular phenotype. Identifiers: MedGen CN230736.

Allele frequency attached by ClinVar (database versions not stated): gnomAD exomes below 0.00001.
gnomAD v4.1: 2 of 1,612,574 alleles (0.00012%); highest among the groups gnomAD compares: African/African-American, 0.0013%; no homozygotes.

Submissions (2):

Revvity Omics, Revvity
Classification: Uncertain significance. Last evaluated: 2019-08-08. Review status: criteria provided, single submitter. Criteria: ACMG Guidelines, 2015. Collection method: clinical testing. Allele origin: germline.

Ambry Genetics
Classification: Uncertain significance for Cardiovascular phenotype. Last evaluated: 2016-07-08. Review status: criteria provided, single submitter. Criteria: Ambry Variant Classification Scheme 2023. Collection method: clinical testing. Allele origin: germline.
Comment: The p.I10522V variant (also known as c.31564A>G), located in coding exon 126 of the TTN gene, results from an A to G substitution at nucleotide position 31564. This alteration is located in the A-band region of the N2-B isoform of the titin protein. The isoleucine at codon 10522 is replaced by valine, an amino acid with highly similar properties. This variant was not reported in population based cohorts in the following databases: Database of Single Nucleotide Polymorphisms (dbSNP), Exome Aggregation Consortium (ExAC), NHLBI Exome Sequencing Project (ESP), and 1000 Genomes Project. In the ESP, this variant was not observed in 5957 samples (11914 alleles) with coverage at this position. This amino acid position is not well conserved in available vertebrate species, and valine is the reference amino acid in other vertebrate species. In addition, this alteration is predicted to be tolerated by in silico analysis. Since supporting evidence is limited at this time, the clinical significance of this variant remains unclear.